The following is an entry in ClinVar:

ClinVar aggregate classification (germline): Uncertain significance. Review status: criteria provided, multiple submitters, no conflicts (2 of 4 stars). 3 submissions from 3 submitters: Uncertain significance (3). Last evaluated 2025-03-27.

Conditions:
Inborn genetic diseases. Identifiers: MedGen C0950123, MeSH D030342.
Epidermolysis bullosa simplex 5C, with pyloric atresia (EBS5C). Also called: PLEC-Related Epidermolysis Bullosa with Pyloric Atresia; Epidermolysis bullosa simplex with pyloric atresia; PLEC1-Related Epidermolysis Bullosa with Pyloric Atresia. Identifiers: Orphanet 158684, MedGen C2677349, MONDO:0012807, OMIM 612138.
Epidermolysis bullosa simplex 5B, with muscular dystrophy (EBS5B). Also called: Epidermolysis bullosa simplex with muscular dystrophy; EPIDERMOLYSIS BULLOSA SIMPLEX AND LIMB-GIRDLE MUSCULAR DYSTROPHY. Identifiers: Orphanet 257, MedGen C2931072, MONDO:0009181, OMIM 226670.
Epidermolysis bullosa simplex, Ogna type (EBS5A). Also called: Pidermolysis bullosa simplex 5A, Ogna type; EPIDERMOLYSIS BULLOSA SIMPLEX 5A, OGNA TYPE. Identifiers: Orphanet 79401, MedGen C0432317, MONDO:0007555, OMIM 131950.
Autosomal recessive limb-girdle muscular dystrophy type 2Q (LGMDR17). Also called: MUSCULAR DYSTROPHY, LIMB-GIRDLE, AUTOSOMAL RECESSIVE 17. Identifiers: Orphanet 254361, MedGen C3150989, MONDO:0013390, OMIM 613723.
Epidermolysis bullosa simplex with nail dystrophy (EBS5D). Identifiers: MedGen C4225309, MONDO:0014661, OMIM 616487.

Allele frequency attached by ClinVar (database versions not stated): ExAC 0.00002.
gnomAD v4.1: 36 of 1,599,120 alleles (0.0023%); highest among the groups gnomAD compares: South Asian, 0.0033%; no homozygotes.

Submissions (3):

Labcorp Genetics (formerly Invitae), Labcorp
Classification: Uncertain significance for Autosomal recessive limb-girdle muscular dystrophy type 2Q; Epidermolysis bullosa simplex, Ogna type; Epidermolysis bullosa simplex with nail dystrophy; Epidermolysis bullosa simplex 5C, with pyloric atresia; Epidermolysis bullosa simplex 5B, with muscular dystrophy. Last evaluated: 2025-03-27. Review status: criteria provided, single submitter. Criteria: Invitae Variant Classification Sherloc (09022015). Collection method: clinical testing. Allele origin: germline.
Comment: This sequence change replaces arginine, which is basic and polar, with histidine, which is basic and polar, at codon 942 of the PLEC protein (p.Arg942His). The frequency data for this variant in the population databases is considered unreliable, as metrics indicate poor data quality at this position in the gnomAD database. This variant has not been reported in the literature in individuals affected with PLEC-related conditions. ClinVar contains an entry for this variant (Variation ID: 949571). Invitae Evidence Modeling of protein sequence and biophysical properties (such as structural, functional, and spatial information, amino acid conservation, physicochemical variation, residue mobility, and thermodynamic stability) has been performed for this missense variant. However, the output from this modeling did not meet the statistical confidence thresholds required to predict the impact of this variant on PLEC protein function. In summary, the available evidence is currently insufficient to determine the role of this variant in disease. Therefore, it has been classified as a Variant of Uncertain Significance.

Ambry Genetics
Classification: Uncertain significance for Inborn genetic diseases. Last evaluated: 2025-03-22. Review status: criteria provided, single submitter. Criteria: Ambry Variant Classification Scheme 2023. Collection method: clinical testing. Allele origin: germline.

Revvity Omics, Revvity
Classification: Uncertain significance. Last evaluated: 2024-12-20. Review status: criteria provided, single submitter. Criteria: ACMG Guidelines, 2015. Collection method: clinical testing. Allele origin: germline.

NM_201384.3(PLEC):c.2744G>A (p.Arg915His)

Gene: PLEC (plectin; minus strand). Cytogenetic location: 8q24.3.
Variant type: single nucleotide variant.
Coding change: c.2744G>A on transcript NM_201384.3 (MANE Select); coding-DNA position 2744, G replaced by A.
Protein change: p.Arg915His; replaces arginine 915 with histidine.
Molecular consequence: missense variant.
Genome position (GRCh38, 1-based): chr8:143,929,825, C>T on the plus strand (G>A on the coding strand, the complement: PLEC is on the minus strand). VCF-style: chr8-143929825-C-T. GRCh37 (hg19) VCF-style: chr8-145003993-C-T.
Other names: c.2825G>A, p.Arg942His (NM_000445.5); c.2702G>A, p.Arg901His (NM_201378.4); c.2678G>A, p.Arg893His (NM_201379.3); c.3155G>A, p.Arg1052His (NM_201380.4); c.2648G>A, p.Arg883His (NM_201381.3); c.2744G>A, p.Arg915His (NM_201382.4); c.2756G>A, p.Arg919His (NM_201383.3); c.2825G>A (NM_000445.3); short protein forms R883H, R915H, R1052H, R919H, R893H, R901H, R942H.
Identifiers: ClinVar variation 949571 (VCV000949571.10), dbSNP rs781951273, ClinGen allele CA4927349.
Genomic context (GRCh38, chr8:143,929,825, plus strand): 5'-GCCTGGTAGTGCAGCTCCAGGCTGTGCAGGGCTTGGCGCTGCTCCTCTGGCTTCAGGGTG[C>T]GGAACTGGGGGAAGCACGTGGGGCTGAGTGCCGGGCGAGGCGGCCGTGCCCTGCACAACG-3'
Protein context (NP_958786.1, residues 905-925): LIRSWSLATF[Arg915His]TLKPEEQRQA